The following is an entry in ClinVar:

ClinVar aggregate classification (germline): Uncertain significance (1 of 4 stars; one submission).

Conditions:
POLD1-related polyposis and colorectal cancer syndrome (CRCS10). Also called: Colorectal cancer 10; COLORECTAL CANCER, SUSCEPTIBILITY TO, ON CHROMOSOME 19q; Colorectal cancer, susceptibility to, 10. Identifiers: Orphanet 220460, MedGen C2675481, MONDO:0012953, OMIM 612591.

Submission:

Labcorp Genetics (formerly Invitae), Labcorp
Classification: Uncertain significance for POLD1-related polyposis and colorectal cancer syndrome. Last evaluated: 2022-06-26. Review status: criteria provided, single submitter. Criteria: Invitae Variant Classification Sherloc (09022015). Collection method: clinical testing. Allele origin: germline.
Comment: This sequence change replaces glutamic acid, which is acidic and polar, with aspartic acid, which is acidic and polar, at codon 940 of the POLD1 protein (p.Glu940Asp). This variant also falls at the last nucleotide of exon 22, which is part of the consensus splice site for this exon. This variant is not present in population databases (gnomAD no frequency). This variant has not been reported in the literature in individuals affected with POLD1-related conditions. Algorithms developed to predict the effect of missense changes on protein structure and function are either unavailable or do not agree on the potential impact of this missense change (SIFT: "Deleterious"; PolyPhen-2: "Probably Damaging"; Align-GVGD: "Class C0"). Variants that disrupt the consensus splice site are a relatively common cause of aberrant splicing (PMID: 17576681, 9536098). Studies have shown that this missense change is associated with altered splicing resulting in unknown protein product impact (Invitae). In summary, the available evidence is currently insufficient to determine the role of this variant in disease. Therefore, it has been classified as a Variant of Uncertain Significance.

Literature cited by the submitters: PubMed 17576681; PubMed 9536098.

NM_002691.4(POLD1):c.2820G>T (p.Glu940Asp)

Gene: POLD1 (DNA polymerase delta 1, catalytic subunit; plus strand). Cytogenetic location: 19q13.33.
Variant type: single nucleotide variant.
Coding change: c.2820G>T on transcript NM_002691.4 (MANE Select); coding-DNA position 2820, G replaced by T.
Protein change: p.Glu940Asp; replaces glutamic acid 940 with aspartic acid.
Molecular consequence: missense variant.
Genome position (GRCh38, 1-based): chr19:50,415,826, G>T. VCF-style: chr19-50415826-G-T. GRCh37 (hg19) VCF-style: chr19-50919083-G-T.
Other names: c.2820G>T, p.Glu940Asp (NM_001256849.1); c.2898G>T, p.Glu966Asp (NM_001308632.1); short protein forms E966D, E940D.
Identifiers: ClinVar variation 2011241 (VCV002011241.4), dbSNP rs2122482826, ClinGen allele CA406986128.